The following is an entry in ClinVar:

ClinVar aggregate classification (germline): Uncertain significance (1 of 4 stars; one submission).

Conditions:
Radioulnar synostosis with amegakaryocytic thrombocytopenia 2 (RUSAT2). Also called: RADIOULNAR SYNOSTOSIS AND AMEGAKARYOCYTIC THROMBOCYTOPENIA 2. Identifiers: Orphanet 71289, MedGen C4225221, MONDO:0014758, OMIM 616738.

Submission:

ISTH-SSC Genomics in Thrombosis and Hemostasis, KU Leuven, Center for Molecular and Vascular Biology
Classification: Uncertain significance for Radioulnar synostosis with amegakaryocytic thrombocytopenia 2. Review status: criteria provided, single submitter. Criteria: ACMG Guidelines, 2015. Collection method: clinical testing. Allele origin: germline. Affected: yes. Observed: 1 heterozygote.
Comment: Submitted to GoldVariant by Jose María Bastida and José Rivera; Grupo Español de Alteraciones Plaquetarias Congénitas (GEAPC)

NM_004991.4(MECOM):c.2315C>T (p.Pro772Leu)

Gene: MECOM (MDS1 and EVI1 complex locus; minus strand). Cytogenetic location: 3q26.2.
Variant type: single nucleotide variant.
Coding change: c.2315C>T on transcript NM_004991.4 (MANE Select); coding-DNA position 2315, C replaced by T.
Protein change: p.Pro772Leu; replaces proline 772 with leucine.
Molecular consequence: missense variant.
Genome position (GRCh38, 1-based): chr3:169,115,557, G>A on the plus strand (C>T on the coding strand, the complement: MECOM is on the minus strand). VCF-style: chr3-169115557-G-A. GRCh37 (hg19) VCF-style: chr3-168833345-G-A.
Other names: c.1946C>T, p.Pro649Leu (NM_001105077.4); c.1751C>T, p.Pro584Leu (NM_001105078.4, NM_001164000.2, NM_001205194.2 and 4 more transcripts); c.1754C>T, p.Pro585Leu (NM_001163999.2, NM_001366467.2, NM_001366468.2 and 1 more transcripts); c.2315C>T, p.Pro772Leu (NM_001366466.2); c.1343C>T, p.Pro448Leu (NM_001366473.2); c.779C>T, p.Pro260Leu (NM_001366474.2); short protein forms P260L, P448L, P584L, P585L, P649L, P772L.
Identifiers: ClinVar variation 1703775 (VCV001703775.2), dbSNP rs2549403813, ClinGen allele CA355084958.